The following is an entry in ClinVar:

ClinVar aggregate classification (germline): Uncertain significance. Review status: criteria provided, multiple submitters, no conflicts (2 of 4 stars). 4 submissions from 4 submitters: Uncertain significance (4). Last evaluated 2026-04-29.

Conditions:
Inborn genetic diseases. Identifiers: MedGen C0950123, MeSH D030342.

Allele frequency attached by ClinVar (database versions not stated): gnomAD exomes 0.00001; TOPMed 0.00002.
gnomAD v4.1: 18 of 1,614,124 alleles (0.0011%); highest among the groups gnomAD compares: Non-Finnish European, 0.0014%; no homozygotes.

Submissions (4):

Women's Health and Genetics/Laboratory Corporation of America, LabCorp
Classification: Uncertain significance. Last evaluated: 2026-04-29. Review status: criteria provided, single submitter. Criteria: LabCorp Variant Classification Summary - May 2015. Collection method: clinical testing. Allele origin: germline.
Comment: Variant summary: COL4A4 c.2432G>C (p.Arg811Thr) results in a non-conservative amino acid change in the encoded protein sequence. Algorithms developed to predict the effect of missense changes on protein structure and function are either unavailable or do not agree on the potential impact of this missense change. The variant was absent in 249380 control chromosomes. The available data on variant occurrences in the general population are insufficient to allow any conclusion about variant significance. To our knowledge, no occurrence of c.2432G>C in individuals affected with COL4A4-related conditions and no experimental evidence demonstrating its impact on protein function have been reported. ClinVar contains an entry for this variant (Variation ID: 1918144). Based on the evidence outlined above, the variant was classified as uncertain significance.

GeneDx
Classification: Uncertain significance. Last evaluated: 2024-11-12. Review status: criteria provided, single submitter. Criteria: GeneDx Variant Classification Process June 2021. Collection method: clinical testing. Allele origin: germline. Affected: yes.
Comment: Not observed at significant frequency in large population cohorts (gnomAD); In silico analysis indicates that this missense variant does not alter protein structure/function; Has not been previously published as pathogenic or benign to our knowledge; Occurs in the triple helical domain at the X position in the canonical Gly-X-Y repeat; although this variant may have an effect on normal protein folding and function, missense substitution at the X position is not a common mechanism of disease

Ambry Genetics
Classification: Uncertain significance for Inborn genetic diseases. Last evaluated: 2024-05-30. Review status: criteria provided, single submitter. Criteria: Ambry Variant Classification Scheme 2023. Collection method: clinical testing. Allele origin: germline.

Labcorp Genetics (formerly Invitae), Labcorp
Classification: Uncertain significance. Last evaluated: 2022-07-19. Review status: criteria provided, single submitter. Criteria: Invitae Variant Classification Sherloc (09022015). Collection method: clinical testing. Allele origin: germline.
Comment: This sequence change replaces arginine, which is basic and polar, with threonine, which is neutral and polar, at codon 811 of the COL4A4 protein (p.Arg811Thr). This variant is not present in population databases (gnomAD no frequency). This variant has not been reported in the literature in individuals affected with COL4A4-related conditions. Advanced modeling of protein sequence and biophysical properties (such as structural, functional, and spatial information, amino acid conservation, physicochemical variation, residue mobility, and thermodynamic stability) performed at Invitae indicates that this missense variant is not expected to disrupt COL4A4 protein function. In summary, the available evidence is currently insufficient to determine the role of this variant in disease. Therefore, it has been classified as a Variant of Uncertain Significance.

NM_000092.5(COL4A4):c.2432G>C (p.Arg811Thr)

Gene: COL4A4 (collagen type IV alpha 4 chain; minus strand). Cytogenetic location: 2q36.3.
Variant type: single nucleotide variant.
Coding change: c.2432G>C on transcript NM_000092.5 (MANE Select); coding-DNA position 2432, G replaced by C.
Protein change: p.Arg811Thr; replaces arginine 811 with threonine.
Molecular consequence: missense variant.
Genome position (GRCh38, 1-based): chr2:227,057,552, C>G on the plus strand (G>C on the coding strand, the complement: COL4A4 is on the minus strand). VCF-style: chr2-227057552-C-G. GRCh37 (hg19) VCF-style: chr2-227922268-C-G.
Other names: short protein forms R811T.
Identifiers: ClinVar variation 1918144 (VCV001918144.5), dbSNP rs1002702539, ClinGen allele CA66586440.